The following is an entry in ClinVar:

NM_001170629.2(CHD8):c.5375G>A (p.Arg1792Gln)

Gene: CHD8 (chromodomain helicase DNA binding protein 8; minus strand). Cytogenetic location: 14q11.2.
Variant type: single nucleotide variant.
Coding change: c.5375G>A on transcript NM_001170629.2 (MANE Select); coding-DNA position 5375, G replaced by A.
Protein change: p.Arg1792Gln; replaces arginine 1792 with glutamine.
Molecular consequence: missense variant.
Genome position (GRCh38, 1-based): chr14:21,394,927, C>T on the plus strand (G>A on the coding strand, the complement: CHD8 is on the minus strand). VCF-style: chr14-21394927-C-T. GRCh37 (hg19) VCF-style: chr14-21863086-C-T.
Other names: c.4538G>A, p.Arg1513Gln (NM_020920.4); short protein forms R1792Q, R1513Q.
Identifiers: ClinVar variation 1987842 (VCV001987842.4), dbSNP rs771416978, ClinGen allele CA7090978.
Genomic context (GRCh38, chr14:21,394,927, plus strand): 5'-ATAACTGAAAACACAGATCAGCACAAGTTCCCAGCTATATTTTACCGTTGTTGTTTCTCC[C>T]GCCGTGCAATTTCTTTCAGCTTGAAGGCTGCTTCACAACGCCGCCTTCGCCGGTCCCCAC-3'
Protein context (NP_001164100.1, residues 1782-1802): AAFKLKEIAR[Arg1792Gln]EKQQRWTRRE

ClinVar aggregate classification (germline): Uncertain significance (1 of 4 stars; one submission).

Allele frequency attached by ClinVar (database versions not stated): gnomAD exomes 0.00001; gnomAD 0.00002; TOPMed 0.00002; ExAC 0.00003.
gnomAD v4.1: 16 of 1,613,762 alleles (0.00099%); highest among the groups gnomAD compares: Admixed American, 0.005%; no homozygotes.

Submission:

Labcorp Genetics (formerly Invitae), Labcorp
Classification: Uncertain significance. Last evaluated: 2022-04-29. Review status: criteria provided, single submitter. Criteria: Invitae Variant Classification Sherloc (09022015). Collection method: clinical testing. Allele origin: germline.
Comment: In summary, the available evidence is currently insufficient to determine the role of this variant in disease. Therefore, it has been classified as a Variant of Uncertain Significance. Algorithms developed to predict the effect of missense changes on protein structure and function (SIFT, PolyPhen-2, Align-GVGD) all suggest that this variant is likely to be tolerated. This variant has not been reported in the literature in individuals affected with CHD8-related conditions. This variant is present in population databases (rs771416978, gnomAD 0.006%). This sequence change replaces arginine, which is basic and polar, with glutamine, which is neutral and polar, at codon 1792 of the CHD8 protein (p.Arg1792Gln).